The following is an entry in ClinVar:

ClinVar aggregate classification (germline): Pathogenic (1 of 4 stars; one submission).

Conditions:
Congenital dyserythropoietic anemia, type II (CDAN2). Also called: DYSERYTHROPOIETIC ANEMIA, HEMPAS TYPE. Identifiers: Orphanet 98873, MedGen C1306589, MONDO:0009134, OMIM 224100.
Cowden syndrome 7 (CWS7). Identifiers: Orphanet 201, MedGen C4225179, MONDO:0014802, OMIM 616858.

Submission:

Labcorp Genetics (formerly Invitae), Labcorp
Classification: Pathogenic for Congenital dyserythropoietic anemia, type II; Cowden syndrome 7. Last evaluated: 2023-09-29. Review status: criteria provided, single submitter. Criteria: Invitae Variant Classification Sherloc (09022015). Collection method: clinical testing. Allele origin: unknown.
Comment: This variant is a gross deletion of the genomic region encompassing exon(s) 2-6 of the SEC23B gene, which includes the initiator codon. This deletion extends beyond the assayed region for this gene and therefore may encompass additional genes. It is expected to result in an absent or disrupted protein product. Loss-of-function variants in SEC23B are known to be pathogenic (PMID: 19561605, 25044164). This variant has not been reported in the literature in individuals affected with SEC23B-related conditions. For these reasons, this variant has been classified as Pathogenic.

Literature cited by the submitters: PubMed 19561605; PubMed 25044164.

NC_000020.10:g.(?_18491480)_(18505684_?)del

Gene: SEC23B (SEC23 homolog B, COPII component; plus strand). Cytogenetic location: 20p11.23.
Variant type: Deletion.
Identifiers: ClinVar variation 3248271 (VCV003248271.1).